The following is an entry in ClinVar:

ClinVar aggregate classification (germline): Uncertain significance (1 of 4 stars; one submission).

Conditions:
Tuberous sclerosis syndrome (TSC). Also called: Tuberous Sclerosis Complex; Tuberous sclerosis. Identifiers: Orphanet 805, MedGen C0041341, MONDO:0001734.

Submission:

Color Diagnostics, LLC DBA Color Health
Classification: Uncertain significance for Tuberous sclerosis syndrome. Last evaluated: 2025-10-06. Review status: criteria provided, single submitter. Criteria: ACMG Guidelines, 2015. Collection method: clinical testing. Allele origin: germline.
Comment: This variant inserts 1 nucleotide in exon 42 of the TSC2 gene, creating a frameshift and premature translation stop signal. This mutant transcript is predicted to escape nonsense-mediated decay and be expressed as a truncated protein. To our knowledge, functional studies have not been published for this variant and this variant has not been reported in individuals affected with TSC2-related disorders in the literature. This variant has not been identified in the general population by the Genome Aggregation Database (gnomAD). While loss of TSC2 function is a known mechanism of disease, this truncating variant occurs in a part of the last exon of the TSC2 gene with an unknown functional consequence. The available evidence is insufficient to determine the role of this variant in disease conclusively. Therefore, this variant is classified as a Variant of Uncertain Significance.

NM_000548.5(TSC2):c.5358dup (p.Gly1787fs)

Gene: TSC2 (TSC complex subunit 2; plus strand). Cytogenetic location: 16p13.3.
Variant type: Duplication.
Coding change: c.5358dup on transcript NM_000548.5 (MANE Select); coding-DNA position 5358, one base duplicated (T; older notation c.5358dupT).
Protein change: p.Gly1787fs; shifts the reading frame from glycine 1787.
Molecular consequence: frameshift variant. On other transcripts: non-coding transcript variant (5).
Genome position (GRCh38, 1-based): chr16:2,088,544, T duplicated. VCF-style (leftmost placement, unchanged base first): chr16-2088543-C-CT. GRCh37 (hg19) VCF-style: chr16-2138544-C-CT.
Other names: c.5157dup, p.Gly1720fs (NM_001077183.3); c.5289dup, p.Gly1764fs (NM_001114382.3); c.5049dup, p.Gly1684fs (NM_001318827.2); c.5013dup, p.Gly1672fs (NM_001318829.2); c.4626dup, p.Gly1543fs (NM_001318831.2); c.5190dup, p.Gly1731fs (NM_001318832.2); c.5160dup, p.Gly1721fs (NM_001363528.2); c.5226dup, p.Gly1743fs (NM_001370404.1); and 27 more; short protein forms G1186fs, G1272fs, G1273fs, G1295fs, G1296fs, G1316fs, G1520fs, G1521fs.
Identifiers: ClinVar variation 4758158 (VCV004758158.1).